The following is an entry in ClinVar:

ClinVar aggregate classification (germline): Pathogenic. Review status: criteria provided, single submitter (1 of 4 stars). 6 submissions from 6 submitters: Pathogenic (1). 5 of the submissions do not count toward it. Last evaluated 2023-07-31.

Submissions (6):

GeneDx
Classification: Pathogenic. Last evaluated: 2023-07-31. Review status: criteria provided, single submitter. Criteria: GeneDx Variant Classification Process June 2021. Collection method: clinical testing. Allele origin: germline. Affected: yes.
Comment: Not observed at significant frequency in large population cohorts (gnomAD); In silico analysis supports that this missense variant has a deleterious effect on protein structure/function; This variant is associated with the following publications: (PMID: 23349452, 29052809, 23794396, 21604106, 22955375, 26183555, 20530761, 29447731, 30847666, 33662488, 21127202, 28864942)

Clinical Genetics DNA and cytogenetics Diagnostics Lab, Erasmus MC, Erasmus Medical Center
Classification: Pathogenic. Review status: no assertion criteria provided. Collection method: clinical testing. Allele origin: germline. Affected: yes. Study: VKGL Data-share Consensus. Not counted in ClinVar's aggregate classification.

Clinical Genetics, Academic Medical Center
Classification: Pathogenic. Review status: no assertion criteria provided. Collection method: clinical testing. Allele origin: germline. Affected: yes. Study: VKGL Data-share Consensus. Not counted in ClinVar's aggregate classification.

Diagnostic Laboratory, Department of Genetics, University Medical Center Groningen
Classification: Pathogenic. Review status: no assertion criteria provided. Collection method: clinical testing. Allele origin: germline. Affected: yes. Study: VKGL Data-share Consensus. Not counted in ClinVar's aggregate classification.

Genome Diagnostics Laboratory, University Medical Center Utrecht
Classification: Pathogenic. Review status: no assertion criteria provided. Collection method: clinical testing. Allele origin: germline. Affected: yes. Study: VKGL Data-share Consensus. Not counted in ClinVar's aggregate classification.

Joint Genome Diagnostic Labs from Nijmegen and Maastricht, Radboudumc and MUMC+
Classification: Pathogenic. Review status: no assertion criteria provided. Collection method: clinical testing. Allele origin: germline. Affected: yes. Study: VKGL Data-share Consensus. Not counted in ClinVar's aggregate classification.

NM_000257.4(MYH7):c.5754C>G (p.Asn1918Lys)

Gene: MYH7 (myosin heavy chain 7; minus strand). Cytogenetic location: 14q11.2.
Variant type: single nucleotide variant.
Coding change: c.5754C>G on transcript NM_000257.4 (MANE Select); coding-DNA position 5754, C replaced by G.
Protein change: p.Asn1918Lys; replaces asparagine 1918 with lysine.
Molecular consequence: missense variant.
Genome position (GRCh38, 1-based): chr14:23,413,795, G>C on the plus strand (C>G on the coding strand, the complement: MYH7 is on the minus strand). VCF-style: chr14-23413795-G-C. GRCh37 (hg19) VCF-style: chr14-23883004-G-C.
Other names: c.5754C>G (NM_000257.2); short protein forms N1918K.
Identifiers: ClinVar variation 1175039 (VCV001175039.9), dbSNP rs138110910, ClinGen allele CA389034544.